The following is an entry in ClinVar:

NM_201384.3(PLEC):c.13558T>C (p.Ser4520Pro)

Gene: PLEC (plectin; minus strand). Cytogenetic location: 8q24.3.
Variant type: single nucleotide variant.
Coding change: c.13558T>C on transcript NM_201384.3 (MANE Select); coding-DNA position 13558, T replaced by C.
Protein change: p.Ser4520Pro; replaces serine 4520 with proline.
Molecular consequence: missense variant.
Genome position (GRCh38, 1-based): chr8:143,916,263, A>G on the plus strand (T>C on the coding strand, the complement: PLEC is on the minus strand). VCF-style: chr8-143916263-A-G. GRCh37 (hg19) VCF-style: chr8-144990431-A-G.
Other names: c.13639T>C, p.Ser4547Pro (NM_000445.5); c.10258T>C, p.Ser3420Pro (NM_001410941.1); c.13516T>C, p.Ser4506Pro (NM_201378.4); c.13492T>C, p.Ser4498Pro (NM_201379.3); c.13969T>C, p.Ser4657Pro (NM_201380.4); c.13462T>C, p.Ser4488Pro (NM_201381.3); c.13558T>C, p.Ser4520Pro (NM_201382.4); c.13570T>C, p.Ser4524Pro (NM_201383.3); short protein forms S3420P, S4488P, S4498P, S4506P, S4520P, S4524P, S4547P, S4657P.
Identifiers: ClinVar variation 3756682 (VCV003756682.2).

ClinVar aggregate classification (germline): Uncertain significance (1 of 4 stars; one submission).

Conditions:
Epidermolysis bullosa simplex with nail dystrophy (EBS5D). Identifiers: MedGen C4225309, MONDO:0014661, OMIM 616487.
Epidermolysis bullosa simplex, Ogna type (EBS5A). Also called: Pidermolysis bullosa simplex 5A, Ogna type; EPIDERMOLYSIS BULLOSA SIMPLEX 5A, OGNA TYPE. Identifiers: Orphanet 79401, MedGen C0432317, MONDO:0007555, OMIM 131950.
Autosomal recessive limb-girdle muscular dystrophy type 2Q (LGMDR17). Also called: MUSCULAR DYSTROPHY, LIMB-GIRDLE, AUTOSOMAL RECESSIVE 17. Identifiers: Orphanet 254361, MedGen C3150989, MONDO:0013390, OMIM 613723.
Epidermolysis bullosa simplex 5B, with muscular dystrophy (EBS5B). Also called: EPIDERMOLYSIS BULLOSA SIMPLEX AND LIMB-GIRDLE MUSCULAR DYSTROPHY; Epidermolysis bullosa simplex with muscular dystrophy. Identifiers: Orphanet 257, MedGen C2931072, MONDO:0009181, OMIM 226670.
Epidermolysis bullosa simplex 5C, with pyloric atresia (EBS5C). Also called: PLEC-Related Epidermolysis Bullosa with Pyloric Atresia; Epidermolysis bullosa simplex with pyloric atresia; PLEC1-Related Epidermolysis Bullosa with Pyloric Atresia. Identifiers: Orphanet 158684, MedGen C2677349, MONDO:0012807, OMIM 612138.

Submission:

Labcorp Genetics (formerly Invitae), Labcorp
Classification: Uncertain significance for Autosomal recessive limb-girdle muscular dystrophy type 2Q; Epidermolysis bullosa simplex, Ogna type; Epidermolysis bullosa simplex with nail dystrophy; Epidermolysis bullosa simplex 5C, with pyloric atresia; Epidermolysis bullosa simplex 5B, with muscular dystrophy. Last evaluated: 2024-06-10. Review status: criteria provided, single submitter. Criteria: Invitae Variant Classification Sherloc (09022015). Collection method: clinical testing. Allele origin: germline.
Comment: This sequence change replaces serine, which is neutral and polar, with proline, which is neutral and non-polar, at codon 4547 of the PLEC protein (p.Ser4547Pro). This variant is not present in population databases (gnomAD no frequency). This variant has not been reported in the literature in individuals affected with PLEC-related conditions. Advanced modeling of protein sequence and biophysical properties (such as structural, functional, and spatial information, amino acid conservation, physicochemical variation, residue mobility, and thermodynamic stability) has been performed at Invitae for this missense variant, however the output from this modeling did not meet the statistical confidence thresholds required to predict the impact of this variant on PLEC protein function. In summary, the available evidence is currently insufficient to determine the role of this variant in disease. Therefore, it has been classified as a Variant of Uncertain Significance.